The following is an entry in ClinVar:

NM_000057.4(BLM):c.3404C>A (p.Ser1135Tyr)

Gene: BLM (BLM RecQ like helicase; plus strand). Cytogenetic location: 15q26.1.
Variant type: single nucleotide variant.
Coding change: c.3404C>A on transcript NM_000057.4 (MANE Select); coding-DNA position 3404, C replaced by A.
Protein change: p.Ser1135Tyr; replaces serine 1135 with tyrosine.
Molecular consequence: missense variant. On other transcripts: intron variant (1).
Genome position (GRCh38, 1-based): chr15:90,803,566, C>A. VCF-style: chr15-90803566-C-A. GRCh37 (hg19) VCF-style: chr15-91346796-C-A.
Other names: c.3404C>A, p.Ser1135Tyr (NM_001287246.2); c.2279C>A, p.Ser760Tyr (NM_001287248.2); c.3358+5229C>A (NM_001287247.2); short protein forms S1135Y, S760Y.
Identifiers: ClinVar variation 2763383 (VCV002763383.3), dbSNP rs2505546873, ClinGen allele CA393847522.

ClinVar aggregate classification (germline): Uncertain significance (1 of 4 stars; one submission).

Conditions:
Bloom syndrome (BLM). Also called: Bloom-Torre-Machacek syndrome. Identifiers: Orphanet 125, MedGen C0005859, MONDO:0008876, OMIM 210900.

Submission:

Labcorp Genetics (formerly Invitae), Labcorp
Classification: Uncertain significance for Bloom syndrome. Last evaluated: 2023-09-26. Review status: criteria provided, single submitter. Criteria: Invitae Variant Classification Sherloc (09022015). Collection method: clinical testing. Allele origin: germline.
Comment: In summary, the available evidence is currently insufficient to determine the role of this variant in disease. Therefore, it has been classified as a Variant of Uncertain Significance. Advanced modeling of protein sequence and biophysical properties (such as structural, functional, and spatial information, amino acid conservation, physicochemical variation, residue mobility, and thermodynamic stability) performed at Invitae indicates that this missense variant is not expected to disrupt BLM protein function. This variant has not been reported in the literature in individuals affected with BLM-related conditions. This variant is not present in population databases (gnomAD no frequency). This sequence change replaces serine, which is neutral and polar, with tyrosine, which is neutral and polar, at codon 1135 of the BLM protein (p.Ser1135Tyr).